The following is an entry in ClinVar:

ClinVar aggregate classification (germline): Conflicting classifications of pathogenicity. Review status: criteria provided, conflicting classifications (1 of 4 stars). 5 submissions from 5 submitters: Uncertain significance (1); Likely benign (4). Last evaluated 2026-08-27.

Conditions:
Hypertrophic cardiomyopathy 26. Also called: Cardiomyopathy, familial hypertrophic, 26. Identifiers: Orphanet 75249, MedGen C4310749, MONDO:0014883, OMIM 617047.
Distal myopathy with posterior leg and anterior hand involvement. Also called: WILLIAMS DISTAL MYOPATHY. Identifiers: Orphanet 63273, MedGen C3279722, MONDO:0013550, OMIM 614065.
Myofibrillar myopathy 5. Also called: Filaminopathy (type); FILAMINOPATHY, AUTOSOMAL DOMINANT. Identifiers: Orphanet 171445, MedGen C1836050, MONDO:0012289, OMIM 609524.
FLNC-related disorder. Also called: FLNC-related disorders; FLNC-related condition.
Cardiovascular phenotype. Identifiers: MedGen CN230736.

Allele frequency attached by ClinVar (database versions not stated): ExAC 0.00005; gnomAD exomes 0.00006 and 0.00017; TOPMed 0.00006; gnomAD 0.00008 and 0.00009; ESP Exome Variant Server 0.00016.
gnomAD v4.1: 251 of 1,613,740 alleles (0.016%); highest among the groups gnomAD compares: Non-Finnish European, 0.021%; no homozygotes.

Submissions (5):

PreventionGenetics, part of Exact Sciences
Classification: Uncertain significance for FLNC-related condition. Last evaluated: 2026-08-27. Review status: criteria provided, single submitter. Criteria: ACMG Guidelines, 2015. Collection method: clinical testing. Allele origin: germline.
Comment: The FLNC c.2790C>T variant is not predicted to result in an amino acid change (p.=). This variant is predicted to alter splicing based on available splicing prediction programs (SpliceAI, Jaganathan et al. 2019. PubMed ID: 30661751). However, the use of computer prediction programs is not equivalent to functional evidence. To our knowledge, this variant has not been reported in the literature. This variant is reported in 0.010% of alleles in individuals of European (Non-Finnish) descent in gnomAD. Although we suspect that this variant may be benign, at this time, the clinical significance of this variant is uncertain due to the absence of conclusive functional and genetic evidence.

Labcorp Genetics (formerly Invitae), Labcorp
Classification: Likely benign for Distal myopathy with posterior leg and anterior hand involvement; Myofibrillar myopathy 5; Hypertrophic cardiomyopathy 26. Last evaluated: 2026-01-31. Review status: criteria provided, single submitter. Criteria: Invitae Variant Classification Sherloc (09022015). Collection method: clinical testing. Allele origin: germline.

Blueprint Genetics
Classification: Likely benign. Last evaluated: 2024-10-18. Review status: criteria provided, single submitter. Criteria: ACMG Guidelines, 2015. Collection method: clinical testing. Allele origin: germline.

Ambry Genetics
Classification: Likely benign for Cardiovascular phenotype. Last evaluated: 2020-08-06. Review status: criteria provided, single submitter. Criteria: Ambry Variant Classification Scheme 2023. Collection method: clinical testing. Allele origin: germline.

GeneDx
Classification: Likely benign. Last evaluated: 2019-11-13. Review status: criteria provided, single submitter. Criteria: GeneDx Variant Classification Process June 2021. Collection method: clinical testing. Allele origin: germline. Affected: yes.

NM_001458.5(FLNC):c.2790C>T (p.Val930=)

Gene: FLNC (filamin C; plus strand). Cytogenetic location: 7q32.1.
Variant type: single nucleotide variant.
Coding change: c.2790C>T on transcript NM_001458.5 (MANE Select); coding-DNA position 2790, C replaced by T.
Protein change: p.Val930=; no amino-acid change (valine 930 retained).
Molecular consequence: synonymous variant.
Genome position (GRCh38, 1-based): chr7:128,843,556, C>T. VCF-style: chr7-128843556-C-T. GRCh37 (hg19) VCF-style: chr7-128483610-C-T.
Other names: c.2790C>T, p.Val930= (NM_001127487.2).
Identifiers: ClinVar variation 539464 (VCV000539464.18), dbSNP rs199966433, ClinGen allele CA4474839.